The following is an entry in ClinVar:

NM_000237.3(LPL):c.976A>G (p.Ser326Gly)

Gene: LPL (lipoprotein lipase; plus strand). Cytogenetic location: 8p21.3.
Variant type: single nucleotide variant.
Coding change: c.976A>G on transcript NM_000237.3 (MANE Select); coding-DNA position 976, A replaced by G.
Protein change: p.Ser326Gly; replaces serine 326 with glycine.
Molecular consequence: missense variant.
Genome position (GRCh38, 1-based): chr8:19,956,041, A>G. VCF-style: chr8-19956041-A-G. GRCh37 (hg19) VCF-style: chr8-19813552-A-G.
Other names: short protein forms S326G.
Identifiers: ClinVar variation 3291195 (VCV003291195.2).

ClinVar aggregate classification (germline): Uncertain significance (1 of 4 stars; one submission).

Conditions:
Cardiovascular phenotype. Identifiers: MedGen CN230736.

gnomAD v4.1: 3 of 1,614,224 alleles (0.00019%); highest among the groups gnomAD compares: South Asian, 0.0033%; no homozygotes.

Submission:

Ambry Genetics
Classification: Uncertain significance for Cardiovascular phenotype. Last evaluated: 2024-07-17. Review status: criteria provided, single submitter. Criteria: Ambry Variant Classification Scheme 2023. Collection method: clinical testing. Allele origin: germline.
Comment: The p.S326G variant (also known as c.976A>G), located in coding exon 6 of the LPL gene, results from an A to G substitution at nucleotide position 976. The serine at codon 326 is replaced by glycine, an amino acid with similar properties. This amino acid position is conserved. In addition, this alteration is predicted to be tolerated by in silico analysis. Based on the available evidence, the clinical significance of this variant remains unclear.